The following is an entry in ClinVar:

NM_000051.4(ATM):c.1390T>C (p.Leu464=)

Gene: ATM (ATM serine/threonine kinase; plus strand). Cytogenetic location: 11q22.3.
Variant type: single nucleotide variant.
Coding change: c.1390T>C on transcript NM_000051.4 (MANE Select); coding-DNA position 1390, T replaced by C.
Protein change: p.Leu464=; no amino-acid change (leucine 464 retained).
Molecular consequence: synonymous variant.
Genome position (GRCh38, 1-based): chr11:108,250,855, T>C. VCF-style: chr11-108250855-T-C. GRCh37 (hg19) VCF-style: chr11-108121582-T-C.
Other names: c.1390T>C, p.Leu464= (NM_001351834.2).
Identifiers: ClinVar variation 2827953 (VCV002827953.4), dbSNP rs2497244886, ClinGen allele CA476671975.

ClinVar aggregate classification (germline): Benign/Likely benign. Review status: criteria provided, multiple submitters, no conflicts (2 of 4 stars). 2 submissions from 2 submitters: Benign (1); Likely benign (1). Last evaluated 2024-04-29.

Conditions:
Familial cancer of breast. Also called: BREAST CANCER, FAMILIAL; Hereditary breast cancer; hereditary breast carcinoma. Identifiers: Orphanet 227535, MedGen C0346153, MONDO:0016419, OMIM 114480. Disease mechanism: loss of function.
Ataxia-telangiectasia syndrome (AT). Also called: LOUIS-BAR SYNDROME; Ataxia-telangiectasia, complementation group D; ATAXIA-TELANGIECTASIA, COMPLEMENTATION GROUP A; ATAXIA-TELANGIECTASIA, FRESNO VARIANT; Ataxia-telangiectasia; Ataxia telangiectasia (A-T). Identifiers: Orphanet 100, MedGen C0004135, MONDO:0008840, OMIM 208900.

Allele frequency attached by ClinVar (database versions not stated): gnomAD exomes below 0.00001.
gnomAD v4.1: 1 of 1,614,154 alleles (0.000062%); highest among the groups gnomAD compares: South Asian, 0.0011%; no homozygotes.

Submissions (2):

Myriad Genetics, Inc.
Classification: Benign for Familial cancer of breast. Last evaluated: 2024-04-29. Review status: criteria provided, single submitter. Criteria: Myriad Autosomal Dominant, Autosomal Recessive and X-Linked Classification Criteria (2023). Collection method: clinical testing. Allele origin: unknown.
Comment: This variant is considered benign. This variant is a silent/synonymous amino acid change and it is not expected to impact splicing.

Labcorp Genetics (formerly Invitae), Labcorp
Classification: Likely benign for Ataxia-telangiectasia syndrome. Last evaluated: 2023-01-12. Review status: criteria provided, single submitter. Criteria: Invitae Variant Classification Sherloc (09022015). Collection method: clinical testing. Allele origin: germline.